The following is an entry in ClinVar:

NM_004523.4(KIF11):c.2872C>G (p.Leu958Val)

Gene: KIF11 (kinesin family member 11; plus strand). Cytogenetic location: 10q23.33.
Variant type: single nucleotide variant.
Coding change: c.2872C>G on transcript NM_004523.4 (MANE Select); coding-DNA position 2872, C replaced by G.
Protein change: p.Leu958Val; replaces leucine 958 with valine.
Molecular consequence: missense variant.
Genome position (GRCh38, 1-based): chr10:92,649,936, C>G. VCF-style: chr10-92649936-C-G. GRCh37 (hg19) VCF-style: chr10-94409693-C-G.
Other names: short protein forms L958V.
Identifiers: ClinVar variation 3689967 (VCV003689967.2).

ClinVar aggregate classification (germline): Uncertain significance (1 of 4 stars; one submission).

Submission:

Labcorp Genetics (formerly Invitae), Labcorp
Classification: Uncertain significance. Last evaluated: 2024-02-11. Review status: criteria provided, single submitter. Criteria: Invitae Variant Classification Sherloc (09022015). Collection method: clinical testing. Allele origin: germline.
Comment: This sequence change replaces leucine, which is neutral and non-polar, with valine, which is neutral and non-polar, at codon 958 of the KIF11 protein (p.Leu958Val). This variant is not present in population databases (gnomAD no frequency). This variant has not been reported in the literature in individuals affected with KIF11-related conditions. Advanced modeling of protein sequence and biophysical properties (such as structural, functional, and spatial information, amino acid conservation, physicochemical variation, residue mobility, and thermodynamic stability) performed at Invitae indicates that this missense variant is not expected to disrupt KIF11 protein function with a negative predictive value of 80%. In summary, the available evidence is currently insufficient to determine the role of this variant in disease. Therefore, it has been classified as a Variant of Uncertain Significance.